The following is an entry in ClinVar:

NM_144670.6(A2ML1):c.2176G>T (p.Asp726Tyr)

Gene: A2ML1 (alpha-2-macroglobulin like 1; plus strand). Cytogenetic location: 12p13.31.
Variant type: single nucleotide variant.
Coding change: c.2176G>T on transcript NM_144670.6 (MANE Select); coding-DNA position 2176, G replaced by T.
Protein change: p.Asp726Tyr; replaces aspartic acid 726 with tyrosine.
Molecular consequence: missense variant.
Genome position (GRCh38, 1-based): chr12:8,850,216, G>T. VCF-style: chr12-8850216-G-T. GRCh37 (hg19) VCF-style: chr12-9002812-G-T.
Other names: c.703G>T, p.Asp235Tyr (NM_001282424.3); short protein forms D726Y, D235Y.
Identifiers: ClinVar variation 280327 (VCV000280327.12), dbSNP rs771684169, ClinGen allele CA6435932.
Genomic context (GRCh38, chr12:8,850,216, plus strand): 5'-TCAGCAGGCGGTGGTCATCCAGAGGCTTTTGAGTCATCAACTCCTTTACATCAAGCAGAG[G>T]ATTCTCAGGTCCGCCAGTACTTCCCAGAGACCTGGCTCTGGGATCTGTTTCCTATTGGGT-3'
Protein context (NP_653271.3, residues 716-736): ESSTPLHQAE[Asp726Tyr]SQVRQYFPET

ClinVar aggregate classification (germline): Conflicting classifications of pathogenicity. Review status: criteria provided, conflicting classifications (1 of 4 stars). 3 submissions from 3 submitters: Uncertain significance (2); Likely benign (1). Last evaluated 2025-11-28.

Allele frequency attached by ClinVar (database versions not stated): ExAC 0.00001; gnomAD exomes 0.00001 and 0.00003; gnomAD 0.00002; TOPMed 0.00002.
gnomAD v4.1: 41 of 1,613,324 alleles (0.0025%); highest among the groups gnomAD compares: Non-Finnish European, 0.0034%; no homozygotes.

Submissions (3):

Labcorp Genetics (formerly Invitae), Labcorp
Classification: Uncertain significance. Last evaluated: 2025-11-28. Review status: criteria provided, single submitter. Criteria: Invitae Variant Classification Sherloc (09022015). Collection method: clinical testing. Allele origin: germline.
Comment: This sequence change replaces aspartic acid, which is acidic and polar, with tyrosine, which is neutral and polar, at codon 726 of the A2ML1 protein (p.Asp726Tyr). This variant is present in population databases (rs771684169, gnomAD 0.003%). This variant has not been reported in the literature in individuals affected with A2ML1-related conditions. ClinVar contains an entry for this variant (Variation ID: 280327). An algorithm developed to predict the effect of missense changes on protein structure and function (PolyPhen-2) suggests that this variant is likely to be tolerated. In summary, the available evidence is currently insufficient to determine the role of this variant in disease. Therefore, it has been classified as a Variant of Uncertain Significance.

Ambry Genetics
Classification: Uncertain significance. Last evaluated: 2024-02-22. Review status: criteria provided, single submitter. Criteria: Ambry Variant Classification Scheme 2023. Collection method: clinical testing. Allele origin: germline.

GeneDx
Classification: Likely benign. Last evaluated: 2018-12-27. Review status: criteria provided, single submitter. Criteria: GeneDx Variant Classification Process June 2021. Collection method: clinical testing. Allele origin: germline. Affected: yes.